The following is an entry in ClinVar:

NM_015450.3(POT1):c.5C>T (p.Ser2Phe)

Gene: POT1 (protection of telomeres 1; minus strand). Cytogenetic location: 7q31.33.
Variant type: single nucleotide variant.
Coding change: c.5C>T on transcript NM_015450.3 (MANE Select); coding-DNA position 5, C replaced by T.
Protein change: p.Ser2Phe; replaces serine 2 with phenylalanine.
Molecular consequence: missense variant. On other transcripts: 5 prime UTR variant (1), non-coding transcript variant (3).
Genome position (GRCh38, 1-based): chr7:124,897,169, G>A on the plus strand (C>T on the coding strand, the complement: POT1 is on the minus strand). VCF-style: chr7-124897169-G-A. GRCh37 (hg19) VCF-style: chr7-124537223-G-A.
Other names: c.-258C>T (NM_001042594.2); short protein forms S2F.
Identifiers: ClinVar variation 2863352 (VCV002863352.3), dbSNP rs2485575150, ClinGen allele CA369066365.

ClinVar aggregate classification (germline): Uncertain significance (1 of 4 stars; one submission).

Conditions:
Tumor predisposition syndrome 3 (TPDS3). Also called: LONG TELOMERE SYNDROME, POT1-RELATED; POT1 Tumor Predisposition; Melanoma, cutaneous malignant, susceptibility to, 10; Glioma susceptibility 9. Identifiers: Orphanet 618, MedGen C4014476, MONDO:0014368, OMIM 615848.

Submission:

Labcorp Genetics (formerly Invitae), Labcorp
Classification: Uncertain significance for Tumor predisposition syndrome 3. Last evaluated: 2023-11-08. Review status: criteria provided, single submitter. Criteria: Invitae Variant Classification Sherloc (09022015). Collection method: clinical testing. Allele origin: germline.
Comment: This sequence change replaces serine, which is neutral and polar, with phenylalanine, which is neutral and non-polar, at codon 2 of the POT1 protein (p.Ser2Phe). This variant is not present in population databases (gnomAD no frequency). This variant has not been reported in the literature in individuals affected with POT1-related conditions. An algorithm developed to predict the effect of missense changes on protein structure and function (PolyPhen-2) suggests that this variant is likely to be disruptive. In summary, the available evidence is currently insufficient to determine the role of this variant in disease. Therefore, it has been classified as a Variant of Uncertain Significance.